The following is an entry in ClinVar:

ClinVar aggregate classification (germline): Likely benign. Review status: criteria provided, multiple submitters, no conflicts (2 of 4 stars). 2 submissions from 2 submitters: Likely benign (2). Last evaluated 2025-12-17.

Conditions:
ABCC12-related condition.

Allele frequency attached by ClinVar (database versions not stated): 1000 Genomes Project 0.00140; 1000 Genomes Project 30x 0.00141; TOPMed 0.00272; ExAC 0.00276; gnomAD 0.00281; ESP Exome Variant Server 0.00369; gnomAD exomes 0.00412.
gnomAD v4.1: 6,336 of 1,614,250 alleles (0.39%); highest among the groups gnomAD compares: Non-Finnish European, 0.5%; 18 homozygotes.

Submissions (2):

PreventionGenetics, part of Exact Sciences
Classification: Likely benign for ABCC12-related condition. Last evaluated: 2025-12-17. Review status: criteria provided, single submitter. Criteria: ACMG Guidelines, 2015. Collection method: clinical testing. Allele origin: germline.
Comment: This variant is classified as likely benign based on ACMG/AMP sequence variant interpretation guidelines (Richards et al. 2015 PMID: 25741868, with internal and published modifications).

CeGaT Center for Human Genetics Tuebingen
Classification: Likely benign. Last evaluated: 2023-01-01. Review status: criteria provided, single submitter. Criteria: CeGaT Center For Human Genetics Tuebingen Variant Classification Criteria Version 2. Collection method: clinical testing. Allele origin: germline. Affected: yes. Observed: 1 variant allele.
Comment: ABCC12: BP4, BP7, BS2

NM_001393797.1(ABCC12):c.2979C>T (p.Ser993=)

Genes: ABCC12 (ATP binding cassette subfamily C member 12; minus strand), LOC130058951 (ATAC-STARR-seq lymphoblastoid active region 10789; plus strand). Cytogenetic location: 16q12.1.
Variant type: single nucleotide variant.
Coding change: c.2979C>T on transcript NM_001393797.1 (MANE Select); coding-DNA position 2979, C replaced by T.
Protein change: p.Ser993=; no amino-acid change (serine 993 retained).
Molecular consequence: synonymous variant. On other transcripts: non-coding transcript variant (6).
Genome position (GRCh38, 1-based): chr16:48,100,931, G>A on the plus strand (C>T on the coding strand, the complement: ABCC12 is on the minus strand). VCF-style: chr16-48100931-G-A. GRCh37 (hg19) VCF-style: chr16-48134842-G-A.
Other names: c.2979C>T, p.Ser993= (NM_033226.3); c.2979C>T (NM_033226.2).
Identifiers: ClinVar variation 2646496 (VCV002646496.25), dbSNP rs41280921, ClinGen allele CA8041881.